The following is an entry in ClinVar:

ClinVar aggregate classification (germline): Uncertain significance (1 of 4 stars; one submission).

Allele frequency attached by ClinVar (database versions not stated): gnomAD exomes 0.00001; TOPMed 0.00003; gnomAD 0.00004.
gnomAD v4.1: 26 of 1,613,888 alleles (0.0016%); highest among the groups gnomAD compares: Non-Finnish European, 0.0022%; no homozygotes.

Submission:

Labcorp Genetics (formerly Invitae), Labcorp
Classification: Uncertain significance. Last evaluated: 2023-01-11. Review status: criteria provided, single submitter. Criteria: Invitae Variant Classification Sherloc (09022015). Collection method: clinical testing. Allele origin: germline.
Comment: This sequence change replaces aspartic acid, which is acidic and polar, with glutamic acid, which is acidic and polar, at codon 45 of the MYH7B protein (p.Asp45Glu). This variant is present in population databases (rs201230890, gnomAD 0.002%). This variant has not been reported in the literature in individuals affected with MYH7B-related conditions. Algorithms developed to predict the effect of missense changes on protein structure and function are either unavailable or do not agree on the potential impact of this missense change (SIFT: "Deleterious"; PolyPhen-2: "Benign"; Align-GVGD: "Class C0"). In summary, the available evidence is currently insufficient to determine the role of this variant in disease. Therefore, it has been classified as a Variant of Uncertain Significance.

NM_020884.7(MYH7B):c.9T>A (p.Asp3Glu)

Gene: MYH7B (myosin heavy chain 7B; plus strand). Cytogenetic location: 20q11.22.
Variant type: single nucleotide variant.
Coding change: c.9T>A on transcript NM_020884.7 (MANE Select); coding-DNA position 9, T replaced by A.
Protein change: p.Asp3Glu; replaces aspartic acid 3 with glutamic acid.
Molecular consequence: missense variant.
Genome position (GRCh38, 1-based): chr20:34,978,014, T>A. VCF-style: chr20-34978014-T-A. GRCh37 (hg19) VCF-style: chr20-33565817-T-A.
Other names: short protein forms D3E.
Identifiers: ClinVar variation 1906264 (VCV001906264.5), dbSNP rs201230890, ClinGen allele CA313462509.